The following is an entry in ClinVar:

ClinVar aggregate classification (germline): Uncertain significance (1 of 4 stars; one submission).

Conditions:
H syndrome. Also called: Asrar Facharzt Haque syndrome; Histiocytosis with joint contractures and sensorineural deafness; FAISALABAD HISTIOCYTOSIS; Pigmented hypertrichosis and insulin-dependent diabetes mellitus; HISTIOCYTOSIS AND LYMPHADENOPATHY WITH OR WITHOUT CUTANEOUS, CARDIAC, AND/OR ENDOCRINE FEATURES, JOINT CONTRACTURES, AND/OR DEAFNESS; HYPERPIGMENTATION, CUTANEOUS, WITH HYPERTRICHOSIS, HEPATOSPLENOMEGALY, HEART ANOMALIES, AND HYPOGONADISM WITH OR WITHOUT HEARING LOSS. Identifiers: Orphanet 168569, MedGen C1864445, MONDO:0011273, OMIM 602782.

Submission:

Labcorp Genetics (formerly Invitae), Labcorp
Classification: Uncertain significance for H syndrome. Last evaluated: 2022-04-07. Review status: criteria provided, single submitter. Criteria: Invitae Variant Classification Sherloc (09022015). Collection method: clinical testing. Allele origin: germline.
Comment: In summary, the available evidence is currently insufficient to determine the role of this variant in disease. Therefore, it has been classified as a Variant of Uncertain Significance. Algorithms developed to predict the effect of missense changes on protein structure and function (SIFT, PolyPhen-2, Align-GVGD) all suggest that this variant is likely to be tolerated. This variant has not been reported in the literature in individuals affected with SLC29A3-related conditions. This variant is not present in population databases (gnomAD no frequency). This sequence change replaces methionine, which is neutral and non-polar, with valine, which is neutral and non-polar, at codon 207 of the SLC29A3 protein (p.Met207Val).

NM_018344.6(SLC29A3):c.619A>G (p.Met207Val)

Gene: SLC29A3 (solute carrier family 29 member 3; plus strand). Cytogenetic location: 10q22.1.
Variant type: single nucleotide variant.
Coding change: c.619A>G on transcript NM_018344.6 (MANE Select); coding-DNA position 619, A replaced by G.
Protein change: p.Met207Val; replaces methionine 207 with valine.
Molecular consequence: missense variant. On other transcripts: non-coding transcript variant (2).
Genome position (GRCh38, 1-based): chr10:71,356,089, A>G. VCF-style: chr10-71356089-A-G. GRCh37 (hg19) VCF-style: chr10-73115846-A-G.
Other names: c.619A>G, p.Met207Val (NM_001174098.2); c.385A>G, p.Met129Val (NM_001363518.2); short protein forms M207V, M129V.
Identifiers: ClinVar variation 1987372 (VCV001987372.2), dbSNP rs1846898888, ClinGen allele CA377111124.